The following is an entry in ClinVar:

ClinVar aggregate classification (germline): Pathogenic (1 of 4 stars; one submission).

Submission:

Labcorp Genetics (formerly Invitae), Labcorp
Classification: Pathogenic. Last evaluated: 2022-08-16. Review status: criteria provided, single submitter. Criteria: Invitae Variant Classification Sherloc (09022015). Collection method: clinical testing. Allele origin: germline.
Comment: Algorithms developed to predict the effect of sequence changes on RNA splicing suggest that this variant may disrupt the consensus splice site. This variant has not been reported in the literature in individuals affected with PHEX-related conditions. This variant is not present in population databases (gnomAD no frequency). This sequence change creates a premature translational stop signal (p.Lys221Asnfs*11) in the PHEX gene. It is expected to result in an absent or disrupted protein product. Loss-of-function variants in PHEX are known to be pathogenic (PMID: 9097956, 9106524, 19219621). For these reasons, this variant has been classified as Pathogenic.

Literature cited by the submitters: PubMed 9097956; PubMed 9106524; PubMed 19219621.

NM_000444.6(PHEX):c.663+1del

Gene: PHEX (phosphate regulating endopeptidase X-linked; plus strand). Cytogenetic location: Xp22.11.
Variant type: Deletion.
Coding change: c.663+1del on transcript NM_000444.6 (MANE Select); the canonical splice donor site of the intron after coding-DNA position 663, one base deleted (G; older notation c.663+1delG).
Molecular consequence: splice donor variant.
Genome position (GRCh38, 1-based): chrX:22,077,703, G deleted; the last of 2 consecutive G bases (chrX:22,077,702-22,077,703); deleting either gives the same sequence. VCF-style (leftmost placement, unchanged base first): chrX-22077701-AG-A. GRCh37 (hg19) VCF-style: chrX-22095819-AG-A.
Other names: c.663+1del (NM_001282754.2).
Identifiers: ClinVar variation 1976104 (VCV001976104.5), dbSNP rs2519754630, ClinGen allele CA2580100469.